The following is an entry in ClinVar:

NM_006486.3(FBLN1):c.451G>A (p.Gly151Arg)

Gene: FBLN1 (fibulin 1; plus strand). Cytogenetic location: 22q13.31.
Variant type: single nucleotide variant.
Coding change: c.451G>A on transcript NM_006486.3 (MANE Select); coding-DNA position 451, G replaced by A.
Protein change: p.Gly151Arg; replaces glycine 151 with arginine.
Molecular consequence: missense variant.
Genome position (GRCh38, 1-based): chr22:45,527,976, G>A. VCF-style: chr22-45527976-G-A. GRCh37 (hg19) VCF-style: chr22-45923856-G-A.
Other names: c.451G>A, p.Gly151Arg (NM_001996.4, NM_006485.4, NM_006487.3); short protein forms G151R.
Identifiers: ClinVar variation 2584812 (VCV002584812.1), dbSNP rs765733819, ClinGen allele CA10286555.
Genomic context (GRCh38, chr22:45,527,976, plus strand): 5'-ATGGTTGGCTACCAGTGTGGACAGGTCTTCCAGGCATGCTGTGTCAAGAGCCAGGAGACC[G>A]GAGATTTGGATGTCGGGGGCCTCCAAGAAACGGGTAACTTTCCCCCTTCCTTCCCTAATG-3'
Protein context (NP_006477.3, residues 141-161): QACCVKSQET[Gly151Arg]DLDVGGLQET

ClinVar aggregate classification (germline): Uncertain significance (1 of 4 stars; one submission).

Conditions:
Synpolydactyly type 2. Also called: SYNPOLYDACTYLY, 3/3-PRIME/4, ASSOCIATED WITH METACARPAL AND METATARSAL SYNOSTOSES. Identifiers: Orphanet 295197, Orphanet 93403, MedGen C1842422, MONDO:0011984, OMIM 608180.

Allele frequency attached by ClinVar (database versions not stated): gnomAD 0.00001; gnomAD exomes 0.00001; TOPMed 0.00002; ExAC 0.00004.
gnomAD v4.1: 24 of 1,614,140 alleles (0.0015%); highest among the groups gnomAD compares: African/African-American, 0.0027%; no homozygotes.

Submission:

Neuberg Centre For Genomic Medicine, NCGM
Classification: Uncertain significance for Synpolydactyly type 2. Review status: criteria provided, single submitter. Criteria: ACMG Guidelines, 2015. Collection method: clinical testing. Allele origin: germline. Inheritance: Autosomal dominant inheritance. Affected: yes.
Comment: The missense variant in c.451G>A in FBLN1 gene has not been reported previously as a pathogenic variant nor as a benign variant, to our knowledge. The p.Gly151Arg variant is novel (not in any individuals) in 1000 Genomes and has allele frequency of 0.003535% in gnomAD database. This variant has not been reported to the ClinVar database. The amino acid Gly at position 151 is changed to a Arg changing protein sequence and it might alter its composition and physico-chemical properties. For these reasons, this variant has been classified as Variant of Uncertain Significance (VUS).